The following is an entry in ClinVar:

ClinVar aggregate classification (germline): Uncertain significance (1 of 4 stars; one submission).

Conditions:
Cardiovascular phenotype. Identifiers: MedGen CN230736.

gnomAD v4.1: 1 of 1,614,224 alleles (0.000062%); highest among the groups gnomAD compares: African/African-American, 0.0013%; no homozygotes.

Submission:

Ambry Genetics
Classification: Uncertain significance for Cardiovascular phenotype. Last evaluated: 2024-05-02. Review status: criteria provided, single submitter. Criteria: Ambry Variant Classification Scheme 2023. Collection method: clinical testing. Allele origin: germline.
Comment: The p.L1088Q variant (also known as c.3263T>A), located in coding exon 21 of the TRPM4 gene, results from a T to A substitution at nucleotide position 3263. The leucine at codon 1088 is replaced by glutamine, an amino acid with dissimilar properties. This amino acid position is conserved. In addition, the in silico prediction for this alteration is inconclusive. Based on the available evidence, the clinical significance of this variant remains unclear.

NM_017636.4(TRPM4):c.3263T>A (p.Leu1088Gln)

Gene: TRPM4 (transient receptor potential cation channel subfamily M member 4; plus strand). Cytogenetic location: 19q13.33.
Variant type: single nucleotide variant.
Coding change: c.3263T>A on transcript NM_017636.4 (MANE Select); coding-DNA position 3263, T replaced by A.
Protein change: p.Leu1088Gln; replaces leucine 1088 with glutamine.
Molecular consequence: missense variant.
Genome position (GRCh38, 1-based): chr19:49,210,340, T>A. VCF-style: chr19-49210340-T-A. GRCh37 (hg19) VCF-style: chr19-49713597-T-A.
Other names: c.2828T>A, p.Leu943Gln (NM_001195227.2); c.2918T>A, p.Leu973Gln (NM_001321281.2); c.1655T>A, p.Leu552Gln (NM_001321282.2); c.2741T>A, p.Leu914Gln (NM_001321283.2); c.2201T>A, p.Leu734Gln (NM_001321285.2); short protein forms L734Q, L943Q, L1088Q, L552Q, L914Q, L973Q.
Identifiers: ClinVar variation 3329242 (VCV003329242.1).